The following is an entry in ClinVar:

NM_001164665.2(KIAA1549):c.5157C>T (p.Pro1719=)

Gene: KIAA1549 (KIAA1549; minus strand). Cytogenetic location: 7q34.
Variant type: single nucleotide variant.
Coding change: c.5157C>T on transcript NM_001164665.2 (MANE Select); coding-DNA position 5157, C replaced by T.
Protein change: p.Pro1719=; no amino-acid change (proline 1719 retained).
Molecular consequence: synonymous variant.
Genome position (GRCh38, 1-based): chr7:138,861,229, G>A on the plus strand (C>T on the coding strand, the complement: KIAA1549 is on the minus strand). VCF-style: chr7-138861229-G-A. GRCh37 (hg19) VCF-style: chr7-138545975-G-A.
Other names: c.5157C>T, p.Pro1719= (NM_020910.3).
Identifiers: ClinVar variation 781915 (VCV000781915.39), dbSNP rs148849089, ClinGen allele CA4505645.

ClinVar aggregate classification (germline): Benign/Likely benign. Review status: criteria provided, multiple submitters, no conflicts (2 of 4 stars). 7 submissions from 7 submitters: Benign (2); Likely benign (3). 2 of the submissions do not count toward it. Last evaluated 2026-02-02.

Conditions:
Retinal dystrophy. Also called: Inherited retinal dystrophy. Identifiers: Orphanet 71862, MedGen C0854723, MeSH D058499, MONDO:0019118, HP:0000556.

Allele frequency attached by ClinVar (database versions not stated): 1000 Genomes Project 30x 0.00078; 1000 Genomes Project 0.00080; gnomAD 0.00289 and 0.00307; TOPMed 0.00289; gnomAD exomes 0.00313 and 0.00446; ExAC 0.00379; ESP Exome Variant Server 0.00430.
gnomAD v4.1: 6,865 of 1,613,092 alleles (0.43%); highest among the groups gnomAD compares: Non-Finnish European, 0.54%; 23 homozygotes.

Submissions (7):

Labcorp Genetics (formerly Invitae), Labcorp
Classification: Benign. Last evaluated: 2026-02-02. Review status: criteria provided, single submitter. Criteria: Invitae Variant Classification Sherloc (09022015). Collection method: clinical testing. Allele origin: germline.

Blueprint Genetics
Classification: Likely benign. Last evaluated: 2024-11-23. Review status: criteria provided, single submitter. Criteria: ACMG Guidelines, 2015. Collection method: clinical testing. Allele origin: germline.

CeGaT Center for Human Genetics Tuebingen
Classification: Likely benign. Last evaluated: 2024-07-01. Review status: criteria provided, single submitter. Criteria: CeGaT Center For Human Genetics Tuebingen Variant Classification Criteria Version 2. Collection method: clinical testing. Allele origin: germline. Affected: yes. Observed: 4 variant alleles.
Comment: KIAA1549: BP4, BP7, BS2

Dept Of Ophthalmology, Nagoya University
Classification: Likely benign for Retinal dystrophy. Last evaluated: 2023-10-01. Review status: criteria provided, single submitter. Criteria: Submitter's publication. Collection method: research. Allele origin: germline. Affected: yes.

Breakthrough Genomics
Classification: Benign. Review status: criteria provided, single submitter. Criteria: ACMG Guidelines, 2015. Collection method: not provided. Allele origin: germline. Inheritance: Autosomal recessive inheritance. Affected: yes.

Clinical Genetics DNA and cytogenetics Diagnostics Lab, Erasmus MC, Erasmus Medical Center
Classification: Likely benign. Review status: no assertion criteria provided. Collection method: clinical testing. Allele origin: germline. Affected: yes. Study: VKGL Data-share Consensus. Not counted in ClinVar's aggregate classification.

Clinical Genetics, Academic Medical Center
Classification: Benign. Review status: no assertion criteria provided. Collection method: clinical testing. Allele origin: germline. Affected: yes. Study: VKGL Data-share Consensus. Not counted in ClinVar's aggregate classification.